The following is an entry in ClinVar:

ClinVar aggregate classification (germline): Conflicting classifications of pathogenicity. Review status: criteria provided, conflicting classifications (1 of 4 stars). 4 submissions from 4 submitters: Uncertain significance (3); Likely benign (1). Last evaluated 2025-09-09.

Allele frequency attached by ClinVar (database versions not stated): gnomAD 0.00003; TOPMed 0.00004; ExAC 0.00005.

Submissions (4):

GeneDx
Classification: Uncertain significance. Last evaluated: 2025-09-09. Review status: criteria provided, single submitter. Criteria: GeneDx Variant Classification Process June 2021. Collection method: clinical testing. Allele origin: germline. Affected: yes.
Comment: In silico analysis supports that this missense variant has a deleterious effect on protein structure/function; Observed in individuals with breast cancer, but also in unaffected controls (PMID: 27125668, 32546565); Variants in candidate genes are classified as variants of uncertain significance in accordance with ACMG guidelines (PMID: 25741868); This variant is associated with the following publications: (PMID: 32546565, 27125668, 27248010, 19151156, 23396353)

Labcorp Genetics (formerly Invitae), Labcorp
Classification: Uncertain significance. Last evaluated: 2025-06-16. Review status: criteria provided, single submitter. Criteria: Invitae Variant Classification Sherloc (09022015). Collection method: clinical testing. Allele origin: germline.
Comment: This sequence change replaces aspartic acid, which is acidic and polar, with asparagine, which is neutral and polar, at codon 476 of the RECQL protein (p.Asp476Asn). This variant is present in population databases (rs200259739, gnomAD 0.01%). This missense change has been observed in individual(s) with breast cancer (PMID: 27125668). ClinVar contains an entry for this variant (Variation ID: 1042323). Invitae Evidence Modeling of protein sequence and biophysical properties (such as structural, functional, and spatial information, amino acid conservation, physicochemical variation, residue mobility, and thermodynamic stability) indicates that this missense variant is expected to disrupt RECQL protein function with a positive predictive value of 80%. In summary, the available evidence is currently insufficient to determine the role of this variant in disease. Therefore, it has been classified as a Variant of Uncertain Significance.

ARUP Laboratories, Molecular Genetics and Genomics, ARUP Laboratories
Classification: Uncertain significance. Last evaluated: 2022-10-20. Review status: criteria provided, single submitter. Criteria: ARUP Molecular Germline Variant Investigation Process 2021. Collection method: clinical testing. Allele origin: germline.
Comment: The RECQL c.1426G>A; p.Asp476Asn variant (rs200259739), is reported in the literature in an individual affected with breast cancer, but without clear disease association (Kwong 2016), and is also found in a healthy control (Song 2021). This variant is reported in ClinVar (Variation ID: 1042323) and is found in the general population with an overall allele frequency of 0.0036% (9/250,448 alleles) in the Genome Aggregation Database. The aspartate at codon 476 is highly conserved, but computational analyses are uncertain whether this variant is neutral or deleterious (REVEL: 0.686). Due to limited information, the clinical significance of the p.Asp476Asn variant is uncertain at this time. References: Kwong A et al. Germline RECQL mutations in high risk Chinese breast cancer patients. Breast Cancer Res Treat. 2016 Jun;157(2):211-215. PMID: 27125668. Song H et al. Population-based targeted sequencing of 54 candidate genes identifies PALB2 as a susceptibility gene for high-grade serous ovarian cancer. J Med Genet. 2021 May;58(5):305-313. PMID: 32546565.

Ambry Genetics
Classification: Likely benign. Last evaluated: 2020-07-02. Review status: criteria provided, single submitter. Criteria: Ambry Variant Classification Scheme 2023. Collection method: clinical testing. Allele origin: germline.

Literature cited by the submitters: PubMed 27125668 (cited by Labcorp Genetics (formerly Invitae), Labcorp).

NM_002907.4(RECQL):c.1426G>A (p.Asp476Asn)

Gene: RECQL (RecQ like helicase; minus strand). Cytogenetic location: 12p12.1.
Variant type: single nucleotide variant.
Coding change: c.1426G>A on transcript NM_002907.4 (MANE Select); coding-DNA position 1426, G replaced by A.
Protein change: p.Asp476Asn; replaces aspartic acid 476 with asparagine.
Molecular consequence: missense variant.
Genome position (GRCh38, 1-based): chr12:21,473,572, C>T on the plus strand (G>A on the coding strand, the complement: RECQL is on the minus strand). VCF-style: chr12-21473572-C-T. GRCh37 (hg19) VCF-style: chr12-21626506-C-T.
Other names: c.1426G>A, p.Asp476Asn (NM_032941.3); short protein forms D476N.
Identifiers: ClinVar variation 1042323 (VCV001042323.19), dbSNP rs200259739, ClinGen allele CA6478755.